The following is an entry in ClinVar:

ClinVar aggregate classification (germline): Uncertain significance (1 of 4 stars; one submission).

Conditions:
Autoimmune lymphoproliferative syndrome type 2B. Also called: AUTOIMMUNE LYMPHOPROLIFERATIVE SYNDROME, TYPE IIB. Identifiers: Orphanet 275517, MedGen C1846545, MONDO:0011804, OMIM 607271.

gnomAD v4.1: 6 of 1,613,518 alleles (0.00037%); highest among the groups gnomAD compares: Non-Finnish European, 0.00051%; no homozygotes.

Submission:

Labcorp Genetics (formerly Invitae), Labcorp
Classification: Uncertain significance for Autoimmune lymphoproliferative syndrome type 2B. Last evaluated: 2025-02-18. Review status: criteria provided, single submitter. Criteria: Invitae Variant Classification Sherloc (09022015). Collection method: clinical testing. Allele origin: germline.
Comment: This sequence change affects codon 226 of the CASP8 mRNA. It is a 'silent' change, meaning that it does not change the encoded amino acid sequence of the CASP8 protein. This variant is present in population databases (no rsID available, gnomAD 0.0009%). This variant has not been reported in the literature in individuals affected with CASP8-related conditions. Algorithms developed to predict the effect of sequence changes on RNA splicing suggest that this variant may disrupt the consensus splice site. In summary, the available evidence is currently insufficient to determine the role of this variant in disease. Therefore, it has been classified as a Variant of Uncertain Significance.

NM_001372051.1(CASP8):c.627G>A (p.Ser209=)

Gene: CASP8 (caspase 8; plus strand). Cytogenetic location: 2q33.1.
Variant type: single nucleotide variant.
Coding change: c.627G>A on transcript NM_001372051.1 (MANE Select); coding-DNA position 627, G replaced by A.
Protein change: p.Ser209=; no amino-acid change (serine 209 retained).
Molecular consequence: synonymous variant. On other transcripts: non-coding transcript variant (19), intron variant (16).
Genome position (GRCh38, 1-based): chr2:201,274,920, G>A. VCF-style: chr2-201274920-G-A. GRCh37 (hg19) VCF-style: chr2-202139643-G-A.
Other names: c.627G>A, p.Ser209= (NM_001400654.1, NM_001400655.1, NM_001400656.1 and 6 more transcripts); c.582G>A, p.Ser194= (NM_001400658.1, NM_001400659.1, NM_001080124.2 and 5 more transcripts); c.804G>A, p.Ser268= (NM_001080125.2); c.678G>A, p.Ser226= (NM_001228.5); c.759G>A, p.Ser253= (NM_001400642.1); c.318G>A, p.Ser106= (NM_001400669.1); c.12G>A, p.Ser4= (NM_001400674.1, NM_001400680.1); c.19-1907G>A (NM_001400677.1, NM_001400751.1, NM_001400678.1 and 2 more transcripts); and 7 more.
Identifiers: ClinVar variation 4690747 (VCV004690747.1).